The following is an entry in ClinVar:

ClinVar aggregate classification (germline): Benign (1 of 4 stars; one submission).

Conditions:
Familial cancer of breast. Also called: BREAST CANCER, FAMILIAL; Hereditary breast cancer; hereditary breast carcinoma. Identifiers: Orphanet 227535, MedGen C0346153, MONDO:0016419, OMIM 114480. Disease mechanism: loss of function.

Submission:

Myriad Genetics, Inc.
Classification: Benign for Familial cancer of breast. Last evaluated: 2024-05-07. Review status: criteria provided, single submitter. Criteria: Myriad Autosomal Dominant, Autosomal Recessive and X-Linked Classification Criteria (2023). Collection method: clinical testing. Allele origin: unknown.
Comment: This variant is considered benign. This variant is a silent/synonymous amino acid change and it is not expected to impact splicing.

NM_000051.4(ATM):c.2082T>G (p.Leu694=)

Gene: ATM (ATM serine/threonine kinase; plus strand). Cytogenetic location: 11q22.3.
Variant type: single nucleotide variant.
Coding change: c.2082T>G on transcript NM_000051.4 (MANE Select); coding-DNA position 2082, T replaced by G.
Protein change: p.Leu694=; no amino-acid change (leucine 694 retained).
Molecular consequence: synonymous variant.
Genome position (GRCh38, 1-based): chr11:108,253,997, T>G. VCF-style: chr11-108253997-T-G. GRCh37 (hg19) VCF-style: chr11-108124724-T-G.
Other names: c.2082T>G, p.Leu694= (NM_001351834.2).
Identifiers: ClinVar variation 3254227 (VCV003254227.1), dbSNP rs369642243.